The following is an entry in ClinVar:

NM_001145418.2(TTC28):c.1005C>T (p.Ala335=)

Gene: TTC28 (tetratricopeptide repeat domain 28; minus strand). Cytogenetic location: 22q12.1.
Variant type: single nucleotide variant.
Coding change: c.1005C>T on transcript NM_001145418.2 (MANE Select); coding-DNA position 1005, C replaced by T.
Protein change: p.Ala335=; no amino-acid change (alanine 335 retained).
Molecular consequence: synonymous variant.
Genome position (GRCh38, 1-based): chr22:28,163,528, G>A on the plus strand (C>T on the coding strand, the complement: TTC28 is on the minus strand). VCF-style: chr22-28163528-G-A. GRCh37 (hg19) VCF-style: chr22-28559516-G-A.
Other names: c.1005C>T, p.Ala335= (NM_001393403.1); c.651C>T, p.Ala217= (NM_001393404.1, NM_001393405.1).
Identifiers: ClinVar variation 3038756 (VCV003038756.2), dbSNP rs184677006, ClinGen allele CA10167512.
Genomic context (GRCh38, chr22:28,163,528, plus strand): 5'-TCGGGCTTCAGAAAGTTCATCTTTGGATTGCTTGGCAAGAAGAACACACTGTTTGTGACT[G>A]GCCAGTGCATTGGGGTAGTCTCCAATGGCTGTGTACACGTGGCCCAGACTGCTCAAGGCT-3'
Protein context (NP_001138890.1, residues 325-345): TAIGDYPNAL[Ala335=]SHKQCVLLAK

ClinVar aggregate classification (germline): Likely benign (0 of 4 stars; one submission).

Conditions:
TTC28-related disorder. Also called: TTC28-related condition.

Allele frequency attached by ClinVar (database versions not stated): ExAC 0.00028; 1000 Genomes Project 30x 0.00031; 1000 Genomes Project 0.00040; gnomAD 0.00050; TOPMed 0.00053.
gnomAD v4.1: 995 of 1,551,722 alleles (0.064%); highest among the groups gnomAD compares: Middle Eastern, 0.15%; 1 homozygote.

Submission:

PreventionGenetics, part of Exact Sciences
Classification: Likely benign for TTC28-related condition. Last evaluated: 2019-09-25. Review status: no assertion criteria provided. Collection method: clinical testing. Allele origin: germline.
Comment: This variant is classified as likely benign based on ACMG/AMP sequence variant interpretation guidelines (Richards et al. 2015 PMID: 25741868, with internal and published modifications).